The following is an entry in ClinVar:

ClinVar aggregate classification (germline): Likely pathogenic (1 of 4 stars; one submission).

Conditions:
Mucopolysaccharidosis, MPS-IV-B (MPS4B). Also called: Mucopolysaccharidosis type 4B; Mucopolysaccharidosis type IVB (Morquio); MPS IVB; MORQUIO SYNDROME B; Mucopolysaccharidosis type IV B; Mucopolysaccharidosis Type IVB. Identifiers: Orphanet 309310, Orphanet 582, MedGen C0086652, MONDO:0009660, OMIM 253010.
GM1 gangliosidosis. Identifiers: Orphanet 354, MedGen C0085131, MONDO:0018149.

Submission:

Labcorp Genetics (formerly Invitae), Labcorp
Classification: Likely pathogenic for Mucopolysaccharidosis, MPS-IV-B; GM1 gangliosidosis. Last evaluated: 2023-07-25. Review status: criteria provided, single submitter. Criteria: Invitae Variant Classification Sherloc (09022015). Collection method: clinical testing. Allele origin: germline.
Comment: In summary, the currently available evidence indicates that the variant is pathogenic, but additional data are needed to prove that conclusively. Therefore, this variant has been classified as Likely Pathogenic. This variant disrupts the p.Tyr174 amino acid residue in GLB1. Other variant(s) that disrupt this residue have been determined to be pathogenic (PMID: 25443580, 29451896). This suggests that this residue is clinically significant, and that variants that disrupt this residue are likely to be disease-causing. Advanced modeling of protein sequence and biophysical properties (such as structural, functional, and spatial information, amino acid conservation, physicochemical variation, residue mobility, and thermodynamic stability) performed at Invitae indicates that this missense variant is expected to disrupt GLB1 protein function. This variant has not been reported in the literature in individuals affected with GLB1-related conditions. This variant is not present in population databases (gnomAD no frequency). This sequence change replaces tyrosine, which is neutral and polar, with aspartic acid, which is acidic and polar, at codon 174 of the GLB1 protein (p.Tyr174Asp).

Literature cited by the submitters: PubMed 25443580; PubMed 29451896.

NM_000404.4(GLB1):c.520T>G (p.Tyr174Asp)

Gene: GLB1 (galactosidase beta 1; minus strand). Cytogenetic location: 3p22.3.
Variant type: single nucleotide variant.
Coding change: c.520T>G on transcript NM_000404.4 (MANE Select); coding-DNA position 520, T replaced by G.
Protein change: p.Tyr174Asp; replaces tyrosine 174 with aspartic acid.
Molecular consequence: missense variant.
Genome position (GRCh38, 1-based): chr3:33,065,495, A>C on the plus strand (T>G on the coding strand, the complement: GLB1 is on the minus strand). VCF-style: chr3-33065495-A-C. GRCh37 (hg19) VCF-style: chr3-33106987-A-C.
Other names: c.430T>G, p.Tyr144Asp (NM_001079811.3); c.308T>G, p.Leu103Arg (NM_001135602.3); c.664T>G, p.Tyr222Asp (NM_001317040.2); c.520T>G, p.Tyr174Asp (NM_001393580.1); short protein forms Y222D, L103R, Y144D, Y174D.
Identifiers: ClinVar variation 2950242 (VCV002950242.3), dbSNP rs2471424489, ClinGen allele CA351992091.